The following is an entry in ClinVar:

ClinVar aggregate classification (germline): Uncertain significance. Review status: criteria provided, multiple submitters, no conflicts (2 of 4 stars). 2 submissions from 2 submitters: Uncertain significance (2). Last evaluated 2025-07-28.

Conditions:
Cardiovascular phenotype. Identifiers: MedGen CN230736.
Legius syndrome. Identifiers: Orphanet 137605, MedGen C1969623, MONDO:0012669, OMIM 611431. Disease mechanism: loss of function.

gnomAD v4.1: 1 of 1,579,986 alleles (0.000063%); highest among the groups gnomAD compares: South Asian, 0.0012%; no homozygotes.

Submissions (2):

Ambry Genetics
Classification: Uncertain significance for Cardiovascular phenotype. Last evaluated: 2025-07-28. Review status: criteria provided, single submitter. Criteria: Ambry Variant Classification Scheme 2023. Collection method: clinical testing. Allele origin: germline.
Comment: The p.T7I variant (also known as c.20C>T), located in coding exon 1 of the SPRED1 gene, results from a C to T substitution at nucleotide position 20. The threonine at codon 7 is replaced by isoleucine, an amino acid with similar properties. This amino acid position is conserved. In addition, this alteration is predicted to be tolerated by in silico analysis. Based on the available evidence, the clinical significance of this variant remains unclear.

Labcorp Genetics (formerly Invitae), Labcorp
Classification: Uncertain significance for Legius syndrome. Last evaluated: 2023-08-31. Review status: criteria provided, single submitter. Criteria: Invitae Variant Classification Sherloc (09022015). Collection method: clinical testing. Allele origin: germline.
Comment: This variant has not been reported in the literature in individuals affected with SPRED1-related conditions. The frequency data for this variant in the population databases is considered unreliable, as metrics indicate poor data quality at this position in the gnomAD database. This sequence change replaces threonine, which is neutral and polar, with isoleucine, which is neutral and non-polar, at codon 7 of the SPRED1 protein (p.Thr7Ile). In summary, the available evidence is currently insufficient to determine the role of this variant in disease. Therefore, it has been classified as a Variant of Uncertain Significance. An algorithm developed to predict the effect of missense changes on protein structure and function (PolyPhen-2) suggests that this variant is likely to be tolerated.

NM_152594.3(SPRED1):c.20C>T (p.Thr7Ile)

Gene: SPRED1 (sprouty related EVH1 domain containing 1; plus strand). Cytogenetic location: 15q14.
Variant type: single nucleotide variant.
Coding change: c.20C>T on transcript NM_152594.3 (MANE Select); coding-DNA position 20, C replaced by T.
Protein change: p.Thr7Ile; replaces threonine 7 with isoleucine.
Molecular consequence: missense variant.
Genome position (GRCh38, 1-based): chr15:38,253,205, C>T. VCF-style: chr15-38253205-C-T. GRCh37 (hg19) VCF-style: chr15-38545406-C-T.
Other names: c.20C>T (NM_152594.2); short protein forms T7I.
Identifiers: ClinVar variation 2997217 (VCV002997217.4), dbSNP rs1319028012, ClinGen allele CA391931835.